The following is an entry in ClinVar:

ClinVar aggregate classification (germline): Uncertain significance (1 of 4 stars; one submission).

Conditions:
Hereditary cancer-predisposing syndrome. Also called: Neoplastic Syndromes, Hereditary; Tumor predisposition; Hereditary neoplastic syndrome; Hereditary Cancer Syndrome. Identifiers: Orphanet 140162, MedGen C0027672, MeSH D009386, MONDO:0015356.

gnomAD v4.1: 1 of 1,613,884 alleles (0.000062%); highest among the groups gnomAD compares: South Asian, 0.0011%; no homozygotes.

Submission:

Ambry Genetics
Classification: Uncertain significance for Hereditary cancer-predisposing syndrome. Last evaluated: 2026-07-06. Review status: criteria provided, single submitter. Criteria: Ambry Variant Classification Scheme 2023. Collection method: clinical testing. Allele origin: germline.
Comment: The p.D225Y variant (also known as c.673G>T), located in coding exon 7 of the SDHB gene, results from a G to T substitution at nucleotide position 673. The aspartic acid at codon 225 is replaced by tyrosine, an amino acid with highly dissimilar properties. This amino acid position is conserved. In addition, this alteration is predicted to be deleterious by in silico analysis. Based on the available evidence, the clinical significance of this variant remains unclear.

NM_003000.3(SDHB):c.673G>T (p.Asp225Tyr)

Gene: SDHB (succinate dehydrogenase complex iron sulfur subunit B; minus strand). Cytogenetic location: 1p36.13.
Variant type: single nucleotide variant.
Coding change: c.673G>T on transcript NM_003000.3 (MANE Select); coding-DNA position 673, G replaced by T.
Protein change: p.Asp225Tyr; replaces aspartic acid 225 with tyrosine.
Molecular consequence: missense variant.
Genome position (GRCh38, 1-based): chr1:17,022,700, C>A on the plus strand (G>T on the coding strand, the complement: SDHB is on the minus strand). VCF-style: chr1-17022700-C-A. GRCh37 (hg19) VCF-style: chr1-17349195-C-A.
Other names: c.619G>T, p.Asp207Tyr (NM_001407361.1); short protein forms D207Y, D225Y.
Identifiers: ClinVar variation 5029273 (VCV005029273.1).
Genomic context (GRCh38, chr1:17,022,700, plus strand): 5'-TGTGGCAGCGGTATAGAGAGAATGGGTCCTGCAGCTTGGCCAGGCGCTCCTCTGTGAAGT[C>A]ATCTCTGGAGTCAATCATCCAGCGATAGGCCTGGAAAACCAGGGATGATTAGCTGAGCTG-3'
Protein context (NP_002991.2, residues 215-235): AYRWMIDSRD[Asp225Tyr]FTEERLAKLQ